The following is an entry in ClinVar:

NM_000535.7(PMS2):c.2446-9C>T

Gene: PMS2 (PMS1 homolog 2, mismatch repair system component; minus strand). Cytogenetic location: 7p22.1.
Variant type: single nucleotide variant.
Coding change: c.2446-9C>T on transcript NM_000535.7 (MANE Select); 9 bases into the intron before coding-DNA position 2446, C replaced by T.
Molecular consequence: intron variant.
Genome position (GRCh38, 1-based): chr7:5,973,551, G>A on the plus strand (C>T on the coding strand, the complement: PMS2 is on the minus strand). VCF-style: chr7-5973551-G-A. GRCh37 (hg19) VCF-style: chr7-6013182-G-A.
Other names: c.2128-9C>T (NM_001322008.2, NM_001322007.2); c.1885-9C>T (NM_001322010.2); c.2041-9C>T (NM_001322004.2, NM_001322003.2, NM_001322005.2); c.1873-9C>T (NM_001322013.2); c.1513-9C>T (NM_001322012.2, NM_001322011.2); c.2137-9C>T (NM_001322015.2); c.2290-9C>T (NM_001322006.2); c.2479-9C>T (NM_001322014.2); and 1 more.
Identifiers: ClinVar variation 1103846 (VCV001103846.10), dbSNP rs2128659466, ClinGen allele CA2499218936.

ClinVar aggregate classification (germline): Likely benign. Review status: criteria provided, multiple submitters, no conflicts (2 of 4 stars). 2 submissions from 2 submitters: Likely benign (2). Last evaluated 2025-02-04.

Conditions:
Lynch syndrome 4 (LYNCH4). Also called: Colorectal cancer, hereditary nonpolyposis, type 4; Hereditary non-polyposis colorectal cancer, type 4. Identifiers: Orphanet 144, MedGen C1838333, MONDO:0013699, OMIM 614337. Disease mechanism: loss of function.
Hereditary nonpolyposis colorectal neoplasms. Identifiers: MedGen C0009405, MeSH D003123.

Submissions (2):

Myriad Genetics, Inc.
Classification: Likely benign for Lynch syndrome 4. Last evaluated: 2025-02-04. Review status: criteria provided, single submitter. Criteria: Myriad Autosomal Dominant, Autosomal Recessive and X-Linked Classification Criteria (2023). Collection method: clinical testing. Allele origin: unknown.
Comment: This variant is considered likely benign. This variant is intronic and is not expected to impact mRNA splicing.

Labcorp Genetics (formerly Invitae), Labcorp
Classification: Likely benign for Hereditary nonpolyposis colorectal neoplasms. Last evaluated: 2024-03-06. Review status: criteria provided, single submitter. Criteria: Invitae Variant Classification Sherloc (09022015). Collection method: clinical testing. Allele origin: germline.